The following is an entry in ClinVar:

ClinVar aggregate classification (germline): Likely benign. Review status: criteria provided, single submitter (1 of 4 stars). 2 submissions from 2 submitters: Likely benign (1). 1 of the submissions does not count toward it. Last evaluated 2025-11-09.

Conditions:
CACNA1B-related disorder. Also called: CACNA1B-related condition.

Allele frequency attached by ClinVar (database versions not stated): ExAC 0.00001; ESP Exome Variant Server 0.00008.
gnomAD v4.1: 14 of 1,592,082 alleles (0.00088%); highest among the groups gnomAD compares: African/African-American, 0.017%; no homozygotes.

Submissions (2):

Labcorp Genetics (formerly Invitae), Labcorp
Classification: Likely benign. Last evaluated: 2025-11-09. Review status: criteria provided, single submitter. Criteria: Invitae Variant Classification Sherloc (09022015). Collection method: clinical testing. Allele origin: germline.

PreventionGenetics, part of Exact Sciences
Classification: Likely benign for CACNA1B-related condition. Last evaluated: 2024-06-08. Review status: no assertion criteria provided. Collection method: clinical testing. Allele origin: germline. Not counted in ClinVar's aggregate classification.
Comment: This variant is classified as likely benign based on ACMG/AMP sequence variant interpretation guidelines (Richards et al. 2015 PMID: 25741868, with internal and published modifications).

NM_000718.4(CACNA1B):c.4858-7A>T

Gene: CACNA1B (calcium voltage-gated channel subunit alpha1 B; plus strand). Cytogenetic location: 9q34.3.
Variant type: single nucleotide variant.
Coding change: c.4858-7A>T on transcript NM_000718.4 (MANE Select); 7 bases into the intron before coding-DNA position 4858, A replaced by T.
Molecular consequence: intron variant.
Genome position (GRCh38, 1-based): chr9:138,075,812, A>T. VCF-style: chr9-138075812-A-T. GRCh37 (hg19) VCF-style: chr9-140970264-A-T.
Other names: c.4858-7A>T (NM_001243812.2, NM_000718.3).
Identifiers: ClinVar variation 1967284 (VCV001967284.6), dbSNP rs375757156, ClinGen allele CA5377179.